The following is an entry in ClinVar:

ClinVar aggregate classification (germline): Uncertain significance. Review status: criteria provided, multiple submitters, no conflicts (2 of 4 stars). 2 submissions from 2 submitters: Uncertain significance (2). Last evaluated 2025-10-27.

Conditions:
Cardiovascular phenotype. Identifiers: MedGen CN230736.

Submissions (2):

Ambry Genetics
Classification: Uncertain significance for Cardiovascular phenotype. Last evaluated: 2025-10-27. Review status: criteria provided, single submitter. Criteria: Ambry Variant Classification Scheme 2023. Collection method: clinical testing. Allele origin: germline.
Comment: The p.K577E variant (also known as c.1729A>G), located in coding exon 31 of the TRDN gene, results from an A to G substitution at nucleotide position 1729. The lysine at codon 577 is replaced by glutamic acid, an amino acid with similar properties. This amino acid position is conserved. In addition, this alteration is predicted to be tolerated by in silico analysis. Since supporting evidence is limited at this time, the clinical significance of this alteration remains unclear.

GeneDx
Classification: Uncertain significance. Last evaluated: 2017-07-26. Review status: criteria provided, single submitter. Criteria: GeneDx Variant Classification (06012015). Collection method: clinical testing. Allele origin: germline. Affected: yes.
Comment: A variant of uncertain significance has been identified in the TRDN gene. The K577E variant has not been published as pathogenic or been reported as benign to our knowledge. This variant is not observed in large population cohorts (Lek et al., 2016; 1000 Genomes Consortium et al., 2015; Exome Variant Server). The K577E variant is a non-conservative amino acid substitution, which is likely to impact secondary protein structure as these residues differ in polarity, charge, size and/or other properties. This substitution occurs at a position that is conserved in mammals. However, in silico analysis is inconsistent in its predictions as to whether or not the variant is damaging to the protein structure/function.

NM_006073.4(TRDN):c.1729A>G (p.Lys577Glu)

Gene: TRDN (triadin; minus strand). Cytogenetic location: 6q22.31.
Variant type: single nucleotide variant.
Coding change: c.1729A>G on transcript NM_006073.4 (MANE Select); coding-DNA position 1729, A replaced by G.
Protein change: p.Lys577Glu; replaces lysine 577 with glutamic acid.
Molecular consequence: missense variant.
Genome position (GRCh38, 1-based): chr6:123,269,858, T>C on the plus strand (A>G on the coding strand, the complement: TRDN is on the minus strand). VCF-style: chr6-123269858-T-C. GRCh37 (hg19) VCF-style: chr6-123591003-T-C.
Other names: short protein forms K577E.
Identifiers: ClinVar variation 450865 (VCV000450865.5), dbSNP rs1554219149, ClinGen allele CA365564110.
Genomic context (GRCh38, chr6:123,269,858, plus strand): 5'-GCTGAAATGGTCAAGCGATATTTCTCAGGTGTTATTCTATTCATCTCTTACTTGTTGGTT[T>C]GGGCTTGGCTGTGGAGAATGGAGGCAAGCACATGGCATATTGATGAGTACAAACCATGGA-3'
Protein context (NP_006064.2, residues 567-587): AVTIEKTAKP[Lys577Glu]PTKKAEHRER